The following is an entry in ClinVar:

ClinVar aggregate classification (germline): Uncertain significance. Review status: criteria provided, single submitter (1 of 4 stars). 2 submissions from 2 submitters: Uncertain significance (1). 1 of the submissions does not count toward it. Last evaluated 2021-04-02.

Conditions:
FGFR1-related disorder. Also called: FGFR1-related disorders; FGFR1-related condition. Identifiers: MedGen CN380097.
Hypogonadotropic hypogonadism 2 with or without anosmia (HH2). Also called: FGFR1-Related GnRH Deficiency (Kallmann Syndrome 2); HYPOGONADOTROPIC HYPOGONADISM 2 WITH OR WITHOUT ANOSMIA, SUSCEPTIBILITY TO; HYPOGONADOTROPIC HYPOGONADISM 2 WITHOUT ANOSMIA, SUSCEPTIBILITY TO; HYPOGONADOTROPIC HYPOGONADISM 2 WITHOUT ANOSMIA. Identifiers: Orphanet 478, MedGen C1563720, MONDO:0007844, OMIM 147950. Disease mechanism: loss of function.
Pfeiffer syndrome (ACS5). Also called: ACS V. Identifiers: Orphanet 710, MedGen C0220658, MONDO:0007043, OMIM 101600.

Allele frequency attached by ClinVar (database versions not stated): gnomAD exomes below 0.00001 and 0.00001; TOPMed below 0.00001; ExAC 0.00001; gnomAD 0.00001.
gnomAD v4.1: 5 of 1,613,912 alleles (0.00031%); highest among the groups gnomAD compares: Non-Finnish European, 0.00042%; no homozygotes.

Submissions (2):

Labcorp Genetics (formerly Invitae), Labcorp
Classification: Uncertain significance for Pfeiffer syndrome; Hypogonadotropic hypogonadism 2 with or without anosmia. Last evaluated: 2021-04-02. Review status: criteria provided, single submitter. Criteria: Invitae Variant Classification Sherloc (09022015). Collection method: clinical testing. Allele origin: germline.
Comment: Algorithms developed to predict the effect of missense changes on protein structure and function are either unavailable or do not agree on the potential impact of this missense change (SIFT: "Deleterious"; PolyPhen-2: "Possibly Damaging"; Align-GVGD: "Class C0"). This variant has not been reported in the literature in individuals with FGFR1-related conditions. This variant is present in population databases (rs764533580, ExAC 0.002%). This sequence change replaces leucine with proline at codon 13 of the FGFR1 protein (p.Leu13Pro). The leucine residue is highly conserved and there is a moderate physicochemical difference between leucine and proline. In summary, the available evidence is currently insufficient to determine the role of this variant in disease. Therefore, it has been classified as a Variant of Uncertain Significance.

PreventionGenetics, part of Exact Sciences
Classification: Uncertain significance for FGFR1-related condition. Last evaluated: 2024-04-11. Review status: no assertion criteria provided. Collection method: clinical testing. Allele origin: germline. Not counted in ClinVar's aggregate classification.
Comment: The FGFR1 c.38T>C variant is predicted to result in the amino acid substitution p.Leu13Pro. To our knowledge, this variant has not been reported in the literature. This variant is reported in 0.00088% of alleles in individuals of European (Non-Finnish) descent in gnomAD. At this time, the clinical significance of this variant is uncertain due to the absence of conclusive functional and genetic evidence.

NM_023110.3(FGFR1):c.38T>C (p.Leu13Pro)

Gene: FGFR1 (fibroblast growth factor receptor 1; minus strand). Cytogenetic location: 8p11.23.
Variant type: single nucleotide variant.
Coding change: c.38T>C on transcript NM_023110.3 (MANE Select); coding-DNA position 38, T replaced by C.
Protein change: p.Leu13Pro; replaces leucine 13 with proline.
Molecular consequence: missense variant. On other transcripts: 5 prime UTR variant (1).
Genome position (GRCh38, 1-based): chr8:38,457,409, A>G on the plus strand (T>C on the coding strand, the complement: FGFR1 is on the minus strand). VCF-style: chr8-38457409-A-G. GRCh37 (hg19) VCF-style: chr8-38314927-A-G.
Other names: c.38T>C, p.Leu13Pro (NM_001174063.2, NM_001174065.2, NM_001174066.2 and 7 more transcripts); c.-55T>C (NM_001174064.2); c.137T>C, p.Leu46Pro (NM_001174067.2); c.38T>C (NM_023110.2); short protein forms L13P, L46P.
Identifiers: ClinVar variation 1443560 (VCV001443560.9), dbSNP rs764533580, ClinGen allele CA4718951.